The following is an entry in ClinVar:

ClinVar aggregate classification (germline): Uncertain significance (1 of 4 stars; one submission).

gnomAD v4.1: 23 of 1,613,356 alleles (0.0014%); highest among the groups gnomAD compares: South Asian, 0.02%; no homozygotes.

Submission:

GeneDx
Classification: Uncertain significance. Last evaluated: 2026-02-03. Review status: criteria provided, single submitter. Criteria: GeneDx Variant Classification Process June 2021. Collection method: clinical testing. Allele origin: germline.
Comment: In silico analysis suggests that this variant does not alter splicing; Has not been previously published as pathogenic or benign to our knowledge

NM_014865.4(NCAPD2):c.2349-9T>C

Gene: NCAPD2 (non-SMC condensin I complex subunit D2; plus strand). Cytogenetic location: 12p13.31.
Variant type: single nucleotide variant.
Coding change: c.2349-9T>C on transcript NM_014865.4 (MANE Select); 9 bases into the intron before coding-DNA position 2349, T replaced by C.
Molecular consequence: intron variant.
Genome position (GRCh38, 1-based): chr12:6,526,059, T>C. VCF-style: chr12-6526059-T-C. GRCh37 (hg19) VCF-style: chr12-6635225-T-C.
Identifiers: ClinVar variation 4976003 (VCV004976003.1).